The following is an entry in ClinVar:

ClinVar aggregate classification (germline): Pathogenic (1 of 4 stars; one submission).

Conditions:
Deficiency of alpha-mannosidase (MANSA). Also called: LYSOSOMAL ALPHA-D-MANNOSIDASE DEFICIENCY; Alpha-Mannosidosis; Mannosidosis, alpha-, types I and II. Identifiers: Orphanet 61, MedGen C0024748, MONDO:0009561, OMIM 248500.

Submission:

Labcorp Genetics (formerly Invitae), Labcorp
Classification: Pathogenic for Deficiency of alpha-mannosidase. Last evaluated: 2020-06-14. Review status: criteria provided, single submitter. Criteria: Invitae Variant Classification Sherloc (09022015). Collection method: clinical testing. Allele origin: germline.
Comment: For these reasons, this variant has been classified as Pathogenic. Loss-of-function variants in MAN2B1 are known to be pathogenic (PMID: 9915946, 22161967). Algorithms developed to predict the effect of sequence changes on RNA splicing suggest that this variant may create or strengthen a splice site, but this prediction has not been confirmed by published transcriptional studies. This variant has not been reported in the literature in individuals with MAN2B1-related conditions. The frequency data for this variant in the population databases is considered unreliable, as metrics indicate insufficient coverage at this position in the ExAC database. This sequence change creates a premature translational stop signal (p.Met24Glnfs*46) in the MAN2B1 gene. It is expected to result in an absent or disrupted protein product.

Literature cited by the submitters: PubMed 9915946; PubMed 22161967.

NM_000528.4(MAN2B1):c.53_69dup (p.Met24fs)

Genes: MAN2B1 (mannosidase alpha class 2B member 1; minus strand), LOC130063650 (ATAC-STARR-seq lymphoblastoid silent region 10156; plus strand). Cytogenetic location: 19p13.13.
Variant type: Duplication.
Coding change: c.53_69dup on transcript NM_000528.4 (MANE Select); coding-DNA positions 53 to 69, 17 bases duplicated (CAGCAGGCCCCTGGACC).
Protein change: p.Met24fs; shifts the reading frame from methionine 24.
Molecular consequence: frameshift variant.
Genome position (GRCh38, 1-based): chr19:12,666,633-12,666,649, GGTCCAGGGGCCTGCTG duplicated on the plus strand (CAGCAGGCCCCTGGACC on the coding strand, the reverse complement: MAN2B1 is on the minus strand). VCF-style (leftmost placement, unchanged base first): chr19-12666632-T-TGGTCCAGGGGCCTGCTG. GRCh37 (hg19) VCF-style: chr19-12777446-T-TGGTCCAGGGGCCTGCTG.
Other names: c.53_69dup, p.Met24fs (NM_001173498.2); short protein forms M24fs.
Identifiers: ClinVar variation 1069435 (VCV001069435.7), dbSNP rs2145294424, ClinGen allele CA2499225369.